The following is an entry in ClinVar:

NM_007175.8(ERLIN2):c.318C>T (p.Asn106=)

Gene: ERLIN2 (ER lipid raft associated 2; plus strand). Cytogenetic location: 8p11.23.
Variant type: single nucleotide variant.
Coding change: c.318C>T on transcript NM_007175.8 (MANE Select); coding-DNA position 318, C replaced by T.
Protein change: p.Asn106=; no amino-acid change (asparagine 106 retained).
Molecular consequence: synonymous variant.
Genome position (GRCh38, 1-based): chr8:37,744,590, C>T. VCF-style: chr8-37744590-C-T. GRCh37 (hg19) VCF-style: chr8-37602108-C-T.
Other names: p.Asn106=; c.318C>T, p.Asn106= (NM_001003790.4, NM_001003791.3, NM_001362878.2 and 1 more transcripts).
Identifiers: ClinVar variation 129021 (VCV000129021.19), dbSNP rs16887018, ClinGen allele CA152797.

ClinVar aggregate classification (germline): Benign. Review status: criteria provided, multiple submitters, no conflicts (2 of 4 stars). 6 submissions from 6 submitters: Benign (5). 1 of the submissions does not count toward it. Last evaluated 2026-01-08.

Conditions:
Spastic paraplegia. Identifiers: MedGen C0037772, HP:0001258.
Hereditary spastic paraplegia. Also called: Familial spastic paraparesis. Identifiers: Orphanet 685, MedGen C0037773, MONDO:0019064. Disease mechanism: loss of function.

Allele frequency attached by ClinVar (database versions not stated): gnomAD exomes 0.00258 and 0.00630; ExAC 0.00788; 1000 Genomes Project 0.02177; 1000 Genomes Project 30x 0.02327; gnomAD 0.02374 and 0.02568; TOPMed 0.02642; ESP Exome Variant Server 0.02822.
gnomAD v4.1: 7,510 of 1,614,062 alleles (0.47%); highest among the groups gnomAD compares: African/African-American, 8.2%; 270 homozygotes.

Submissions (6):

Labcorp Genetics (formerly Invitae), Labcorp
Classification: Benign for Spastic paraplegia. Last evaluated: 2026-01-08. Review status: criteria provided, single submitter. Criteria: Invitae Variant Classification Sherloc (09022015). Collection method: clinical testing. Allele origin: germline.

Mayo Clinic Laboratories, Mayo Clinic
Classification: Benign. Last evaluated: 2023-05-24. Review status: criteria provided, single submitter. Criteria: ACMG Guidelines, 2015. Collection method: clinical testing. Allele origin: germline. Observed: 11 variant alleles.
Comment: BA1, BP4, BP7

Genome Diagnostics Laboratory, The Hospital for Sick Children
Classification: Benign for Hereditary spastic paraplegia. Last evaluated: 2021-10-05. Review status: criteria provided, single submitter. Criteria: ACMG Guidelines, 2015. Collection method: clinical testing. Allele origin: germline. Affected: yes.

GeneDx
Classification: Benign. Last evaluated: 2016-11-06. Review status: criteria provided, single submitter. Criteria: GeneDx Variant Classification (06012015). Collection method: clinical testing. Allele origin: germline. Affected: yes.
Comment: This variant is considered likely benign or benign based on one or more of the following criteria: it is a conservative change, it occurs at a poorly conserved position in the protein, it is predicted to be benign by multiple in silico algorithms, and/or has population frequency not consistent with disease.

Breakthrough Genomics
Classification: Benign. Review status: criteria provided, single submitter. Criteria: ACMG Guidelines, 2015. Collection method: not provided. Allele origin: germline. Inheritance: Autosomal recessive inheritance. Affected: yes.

Genetic Services Laboratory, University of Chicago
Classification: Likely benign for AllHighlyPenetrant. Review status: no assertion criteria provided. Collection method: clinical testing. Allele origin: germline. Inheritance: Autosomal recessive inheritance. Not counted in ClinVar's aggregate classification.
Comment: Likely benign based on allele frequency in 1000 Genomes Project or ESP global frequency and its presence in a patient with a rare or unrelated disease phenotype. NOT Sanger confirmed.